The following is an entry in ClinVar:

ClinVar aggregate classification (germline): Likely pathogenic (1 of 4 stars; one submission).

Allele frequency attached by ClinVar (database versions not stated): gnomAD exomes below 0.00001.
gnomAD v4.1: 2 of 1,612,808 alleles (0.00012%); highest among the groups gnomAD compares: Non-Finnish European, 0.00017%; no homozygotes.

Submission:

GeneDx
Classification: Likely pathogenic. Last evaluated: 2020-02-05. Review status: criteria provided, single submitter. Criteria: GeneDx Variant Classification Process June 2021. Collection method: clinical testing. Allele origin: germline. Affected: yes.
Comment: Not observed in large population cohorts (Lek et al., 2016); In silico analysis supports that this missense variant does not alter protein structure/function; Has not been previously published as pathogenic or benign to our knowledge

NM_001958.5(EEF1A2):c.943G>A (p.Val315Met)

Gene: EEF1A2 (eukaryotic translation elongation factor 1 alpha 2; minus strand). Cytogenetic location: 20q13.33.
Variant type: single nucleotide variant.
Coding change: c.943G>A on transcript NM_001958.5 (MANE Select); coding-DNA position 943, G replaced by A.
Protein change: p.Val315Met; replaces valine 315 with methionine.
Molecular consequence: missense variant.
Genome position (GRCh38, 1-based): chr20:63,490,565, C>T on the plus strand (G>A on the coding strand, the complement: EEF1A2 is on the minus strand). VCF-style: chr20-63490565-C-T. GRCh37 (hg19) VCF-style: chr20-62121918-C-T.
Other names: short protein forms V315M.
Identifiers: ClinVar variation 429906 (VCV000429906.3), dbSNP rs1131691663, ClinGen allele CA409647436.